The following is an entry in ClinVar:

ClinVar aggregate classification (germline): Conflicting classifications of pathogenicity. Review status: criteria provided, conflicting classifications (1 of 4 stars). 7 submissions from 7 submitters: Uncertain significance (4); Benign (1); Likely benign (1). 1 of the submissions does not count toward it. Last evaluated 2026-03-09.

Conditions:
TSC2-related disorder. Also called: TSC2-Related Disorders; TSC2-related condition.
Hereditary cancer-predisposing syndrome. Also called: Hereditary Cancer Syndrome; Neoplastic Syndromes, Hereditary; Hereditary neoplastic syndrome; Tumor predisposition. Identifiers: Orphanet 140162, MedGen C0027672, MeSH D009386, MONDO:0015356.
Tuberous sclerosis syndrome (TSC). Also called: Tuberous Sclerosis Complex; Tuberous sclerosis. Identifiers: Orphanet 805, MedGen C0041341, MONDO:0001734.
Tuberous sclerosis 2 (TSC2). Identifiers: Orphanet 805, MedGen C1860707, MONDO:0013199, OMIM 613254.

Allele frequency attached by ClinVar (database versions not stated): TOPMed below 0.00001; ExAC 0.00001; gnomAD 0.00001; 1000 Genomes Project 30x 0.00016; 1000 Genomes Project 0.00020.
gnomAD v4.1: 16 of 1,609,372 alleles (0.00099%); highest among the groups gnomAD compares: Middle Eastern, 0.017%; no homozygotes.

Submissions (7):

Ambry Genetics
Classification: Likely benign for Hereditary cancer-predisposing syndrome. Last evaluated: 2026-03-09. Review status: criteria provided, single submitter. Criteria: Ambry Variant Classification Scheme 2023. Collection method: clinical testing. Allele origin: germline.

Labcorp Genetics (formerly Invitae), Labcorp
Classification: Benign for Tuberous sclerosis 2. Last evaluated: 2025-10-02. Review status: criteria provided, single submitter. Criteria: Invitae Variant Classification Sherloc (09022015). Collection method: clinical testing. Allele origin: germline.

PreventionGenetics, part of Exact Sciences
Classification: Uncertain significance for TSC2-related condition. Last evaluated: 2024-11-22. Review status: criteria provided, single submitter. Criteria: ACMG Guidelines, 2015. Collection method: clinical testing. Allele origin: germline.
Comment: The TSC2 c.4313G>A variant is predicted to result in the amino acid substitution p.Arg1438Gln. This variant was reported in individuals with tuberous sclerosis; however, its pathogenicity was not elucidated in these publications (Roberts et al. 2004. PubMed ID: 15121797; Sudarshan et al. 2020. PubMed ID: 34849272). This variant is reported in 0.0056% of alleles in individuals of East Asian descent in gnomAD. At this time, the clinical significance of this variant is uncertain due to the absence of conclusive functional and genetic evidence.

Women's Health and Genetics/Laboratory Corporation of America, LabCorp
Classification: Uncertain significance. Last evaluated: 2024-07-19. Review status: criteria provided, single submitter. Criteria: LabCorp Variant Classification Summary - May 2015. Collection method: clinical testing. Allele origin: germline.
Comment: Variant summary: TSC2 c.4313G>A (p.Arg1438Gln) results in a conservative amino acid change in the encoded protein sequence. Five of five in-silico tools predict a benign effect of the variant on protein function. The variant allele was found at a frequency of 9.9e-06 in 1609372 control chromosomes, predominantly at a frequency of 2.2e-05 within the East Asian subpopulation in the gnomAD database v4. The available data on variant occurrences in the general population are insufficient to allow any conclusion about variant significance. c.4313G>A has been reported in the literature in four individuals affected with Tuberous Sclerosis Complex, including one occurrence of arising de novo (Roberts_2004, Sudarshan_2020). To our knowledge, no experimental evidence demonstrating an impact on protein function has been reported. The following publications have been ascertained in the context of this evaluation (PMID: 15121797, 34849272). ClinVar contains an entry for this variant (Variation ID: 50124). Based on the evidence outlined above, the variant was classified as uncertain significance.

All of Us Research Program, National Institutes of Health
Classification: Uncertain significance for Tuberous sclerosis syndrome. Last evaluated: 2023-11-30. Review status: criteria provided, single submitter. Criteria: ACMG Guidelines, 2015. Collection method: clinical testing. Allele origin: germline. Inheritance: Autosomal dominant inheritance. Observed: 3 variant alleles, 3 heterozygotes.
Comment: This study involves interpretation of variants in research participants for the purpose of population health screening. Participant phenotype was not available at the time of variant classification. Additional details can be found in publication PMID: 35346344, PMCID: PMC8962531

Genome-Nilou Lab
Classification: Uncertain significance for Tuberous sclerosis 2. Last evaluated: 2021-11-07. Review status: criteria provided, single submitter. Criteria: ACMG Guidelines, 2015. Collection method: clinical testing. Allele origin: germline. Affected: no.

Tuberous sclerosis database (TSC2)
No classification provided. Condition: TSC. Review status: no classification provided. Criteria: Tuberous Sclerosis Database Assertion Criteria 2015. Collection method: curation. Allele origin: germline. Affected: yes. Not counted in ClinVar's aggregate classification.

Literature cited by the submitters: PubMed 15121797 (cited by Ambry Genetics and Women's Health and Genetics/Laboratory Corporation of America, LabCorp); PubMed 34849272 (cited by Ambry Genetics and Women's Health and Genetics/Laboratory Corporation of America, LabCorp).

NM_000548.5(TSC2):c.4313G>A (p.Arg1438Gln)

Gene: TSC2 (TSC complex subunit 2; plus strand). Cytogenetic location: 16p13.3.
Variant type: single nucleotide variant.
Coding change: c.4313G>A on transcript NM_000548.5 (MANE Select); coding-DNA position 4313, G replaced by A.
Protein change: p.Arg1438Gln; replaces arginine 1438 with glutamine.
Molecular consequence: missense variant.
Genome position (GRCh38, 1-based): chr16:2,084,535, G>A. VCF-style: chr16-2084535-G-A. GRCh37 (hg19) VCF-style: chr16-2134536-G-A.
Other names: c.4112G>A, p.Arg1371Gln (NM_001077183.3); c.4244G>A, p.Arg1415Gln (NM_001114382.3); c.4004G>A, p.Arg1335Gln (NM_001318827.2); c.3968G>A, p.Arg1323Gln (NM_001318829.2); c.3581G>A, p.Arg1194Gln (NM_001318831.2); c.4145G>A, p.Arg1382Gln (NM_001318832.2); c.4115G>A, p.Arg1372Gln (NM_001363528.2); c.4181G>A, p.Arg1394Gln (NM_001370404.1); and 2 more; short protein forms R1438Q, R1371Q, R1394Q, R1372Q, R1415Q, R1194Q, R1323Q, R1335Q.
Identifiers: ClinVar variation 50124 (VCV000050124.21), dbSNP rs45448791, ClinGen allele CA020250.